The following is an entry in ClinVar:

ClinVar aggregate classification (germline): Uncertain significance (1 of 4 stars; one submission).

Conditions:
Epilepsy, familial adult myoclonic, 5 (EPEO5). Also called: CORTICAL MYOCLONIC TREMOR WITH EPILEPSY, FAMILIAL, 5. Identifiers: Orphanet 86814, MedGen C3809374, MONDO:0014167, OMIM 615400.

Allele frequency attached by ClinVar (database versions not stated): gnomAD exomes 0.00004 and 0.00009; TOPMed 0.00004; gnomAD 0.00005; ExAC 0.00013; 1000 Genomes Project 0.00020; 1000 Genomes Project 30x 0.00031.
gnomAD v4.1: 69 of 1,614,130 alleles (0.0043%); highest among the groups gnomAD compares: Non-Finnish European, 0.0052%; no homozygotes.

Submission:

Labcorp Genetics (formerly Invitae), Labcorp
Classification: Uncertain significance for Epilepsy, familial adult myoclonic, 5. Last evaluated: 2023-12-22. Review status: criteria provided, single submitter. Criteria: Invitae Variant Classification Sherloc (09022015). Collection method: clinical testing. Allele origin: germline.
Comment: This sequence change replaces alanine, which is neutral and non-polar, with threonine, which is neutral and polar, at codon 639 of the CNTN2 protein (p.Ala639Thr). This variant is present in population databases (rs562711151, gnomAD 0.02%). This variant has not been reported in the literature in individuals affected with CNTN2-related conditions. ClinVar contains an entry for this variant (Variation ID: 569145). Advanced modeling of protein sequence and biophysical properties (such as structural, functional, and spatial information, amino acid conservation, physicochemical variation, residue mobility, and thermodynamic stability) performed at Invitae indicates that this missense variant is not expected to disrupt CNTN2 protein function with a negative predictive value of 95%. In summary, the available evidence is currently insufficient to determine the role of this variant in disease. Therefore, it has been classified as a Variant of Uncertain Significance.

NM_005076.5(CNTN2):c.1915G>A (p.Ala639Thr)

Gene: CNTN2 (contactin 2; plus strand). Cytogenetic location: 1q32.1.
Variant type: single nucleotide variant.
Coding change: c.1915G>A on transcript NM_005076.5 (MANE Select); coding-DNA position 1915, G replaced by A.
Protein change: p.Ala639Thr; replaces alanine 639 with threonine.
Molecular consequence: missense variant. On other transcripts: non-coding transcript variant (1).
Genome position (GRCh38, 1-based): chr1:205,066,539, G>A. VCF-style: chr1-205066539-G-A. GRCh37 (hg19) VCF-style: chr1-205035667-G-A.
Other names: c.1915G>A, p.Ala639Thr (NM_001346083.2); short protein forms A639T.
Identifiers: ClinVar variation 569145 (VCV000569145.7), dbSNP rs562711151, ClinGen allele CA1351528.
Genomic context (GRCh38, chr1:205,066,539, plus strand): 5'-ATTGGCGACACCACCATCCAGCTCAGCTGGAGCCGTGGCTTCGACAACCACAGCCCCATC[G>A]CTAAGTACACCCTGCAAGCTCGCACTCCACCTGCAGGGAAGTGGAAGCAGGTTCGGACCA-3'
Protein context (NP_005067.1, residues 629-649): SRGFDNHSPI[Ala639Thr]KYTLQARTPP